The following is an entry in ClinVar:

ClinVar aggregate classification (germline): Pathogenic/Likely pathogenic. Review status: criteria provided, multiple submitters, no conflicts (2 of 4 stars). 4 submissions from 4 submitters: Pathogenic (1); Likely pathogenic (2). 1 of the submissions does not count toward it. Last evaluated 2024-11-14.

Conditions:
Galactosemia. Also called: Galactose intolerance. Identifiers: Orphanet 352, MedGen C0016952, MONDO:0018116, HP:0004919. Disease mechanism: loss of function.
Deficiency of UDPglucose-hexose-1-phosphate uridylyltransferase. Also called: GALACTOSE-1-PHOSPHATE URIDYLYLTRANSFERASE DEFICIENCY; GALT deficiency; Galactosemia, classic; Transferase Deficiency Galactosemia; GALACTOSEMIA I. Identifiers: Orphanet 352, Orphanet 79239, MedGen C0268151, MONDO:0009258, OMIM 230400.

Allele frequency attached by ClinVar (database versions not stated): gnomAD exomes below 0.00001.

Submissions (4):

Natera, Inc.
Classification: Likely pathogenic for Galactosemia. Last evaluated: 2024-11-14. Review status: criteria provided, single submitter. Criteria: Natera Variant Classification Schema (03/2026). Collection method: clinical testing. Allele origin: germline.
Comment: The c.652delC variant in GALT is a frameshift variant predicted to shift the reading frame and introduce a stop codon. This variant is expected to result in nonsense mediated decay, truncation, or a dysfunctional protein product. This variant is rare in the general population with a frequency below the threshold expected for the associated phenotype(s). Given the available evidence, this variant is classified as Likely Pathogenic.

Labcorp Genetics (formerly Invitae), Labcorp
Classification: Pathogenic for Deficiency of UDPglucose-hexose-1-phosphate uridylyltransferase. Last evaluated: 2023-11-02. Review status: criteria provided, single submitter. Criteria: Invitae Variant Classification Sherloc (09022015). Collection method: clinical testing. Allele origin: germline.
Comment: This sequence change creates a premature translational stop signal (p.Leu218*) in the GALT gene. It is expected to result in an absent or disrupted protein product. Loss-of-function variants in GALT are known to be pathogenic (PMID: 22944367). This variant is not present in population databases (gnomAD no frequency). This premature translational stop signal has been observed in individual(s) with GALT-related conditions (PMID: 17876724). ClinVar contains an entry for this variant (Variation ID: 25237). Algorithms developed to predict the effect of sequence changes on RNA splicing suggest that this variant may disrupt the consensus splice site. For these reasons, this variant has been classified as Pathogenic.

Women's Health and Genetics/Laboratory Corporation of America, LabCorp
Classification: Likely pathogenic for Deficiency of UDPglucose-hexose-1-phosphate uridylyltransferase. Last evaluated: 2021-06-21. Review status: criteria provided, single submitter. Criteria: LabCorp Variant Classification Summary - May 2015. Collection method: clinical testing. Allele origin: germline.
Comment: Variant summary: GALT c.652delC (p.Leu218X) results in a premature termination codon, predicted to cause a truncation of the encoded protein or absence of the protein due to nonsense mediated decay, which are commonly known mechanisms for disease. Truncations downstream of this position have been classified as pathogenic by our laboratory (example: c.790_792delinsTAG p.Leu264X; c.888C>G p.Tyr296X). The variant was absent in 251466 control chromosomes (gnomAD). c.652delC has been reported in the literature in a sample tested for Galactosemia confirmatory testing along with p.L218L variant. Reduced enzymatic activity was also detected in this patient (Calderon_2007). One ClinVar submitter (evaluation after 2014) cites the variant as likely pathogenic. Based on the evidence outlined above, the variant was classified as likely pathogenic.

Counsyl
Classification: Likely pathogenic for Deficiency of UDPglucose-hexose-1-phosphate uridylyltransferase. Last evaluated: 2017-07-12. Review status: no assertion criteria provided. Collection method: clinical testing. Allele origin: unknown. Not counted in ClinVar's aggregate classification.

Literature cited by the submitters: PubMed 22944367 (cited by Labcorp Genetics (formerly Invitae), Labcorp); PubMed 17876724 (cited by 3 submitters); PubMed 17884932 (cited by Women's Health and Genetics/Laboratory Corporation of America, LabCorp).

NM_000155.4(GALT):c.652del (p.Leu217_Leu218insTer)

Gene: GALT (galactose-1-phosphate uridylyltransferase; plus strand). Cytogenetic location: 9p13.3.
Variant type: Deletion.
Coding change: c.652del on transcript NM_000155.4 (MANE Select); coding-DNA position 652, one base deleted (C; older notation c.652delC).
Protein change: p.Leu217_Leu218insTer.
Molecular consequence: nonsense.
Genome position (GRCh38, 1-based): chr9:34,648,421, C deleted. VCF-style (leftmost placement, unchanged base first): chr9-34648420-GC-G. GRCh37 (hg19) VCF-style: chr9-34648417-GC-G.
Other names: c.325del, p.Leu108_Leu109insTer (NM_001258332.2).
Identifiers: ClinVar variation 25237 (VCV000025237.12), dbSNP rs111033742, ClinGen allele CA259465.